The following is an entry in ClinVar:

NM_000368.5(TSC1):c.613T>G (p.Ser205Ala)

Gene: TSC1 (TSC complex subunit 1; minus strand). Cytogenetic location: 9q34.13.
Variant type: single nucleotide variant.
Coding change: c.613T>G on transcript NM_000368.5 (MANE Select); coding-DNA position 613, T replaced by G.
Protein change: p.Ser205Ala; replaces serine 205 with alanine.
Molecular consequence: missense variant. On other transcripts: 5 prime UTR variant (5), non-coding transcript variant (5).
Genome position (GRCh38, 1-based): chr9:132,921,869, A>C on the plus strand (T>G on the coding strand, the complement: TSC1 is on the minus strand). VCF-style: chr9-132921869-A-C. GRCh37 (hg19) VCF-style: chr9-135797256-A-C.
Other names: c.613T>G, p.Ser205Ala (NM_001406606.1, NM_001406607.1, NM_001406608.1 and 16 more transcripts); c.460T>G, p.Ser154Ala (NM_001406610.1, NM_001406611.1, NM_001406612.1 and 2 more transcripts); c.250T>G, p.Ser84Ala (NM_001406614.1, NM_001406615.1, NM_001362177.2 and 10 more transcripts); c.-265T>G (NM_001406626.1, NM_001406627.1, NM_001406628.1); c.-407T>G (NM_001406629.1); c.-481T>G (NM_001406630.1); short protein forms S84A, S154A, S205A.
Identifiers: ClinVar variation 3655674 (VCV003655674.2).

ClinVar aggregate classification (germline): Uncertain significance (1 of 4 stars; one submission).

Conditions:
Tuberous sclerosis 1 (TSC1). Identifiers: Orphanet 805, MedGen C1854465, MONDO:0008612, OMIM 191100.

Submission:

Labcorp Genetics (formerly Invitae), Labcorp
Classification: Uncertain significance for Tuberous sclerosis 1. Last evaluated: 2025-09-10. Review status: criteria provided, single submitter. Criteria: Invitae Variant Classification Sherloc (09022015). Collection method: clinical testing. Allele origin: germline.
Comment: This sequence change replaces serine, which is neutral and polar, with alanine, which is neutral and non-polar, at codon 205 of the TSC1 protein (p.Ser205Ala). This variant is not present in population databases (gnomAD no frequency). This variant has not been reported in the literature in individuals affected with TSC1-related conditions. ClinVar contains an entry for this variant (Variation ID: 3655674). Invitae Evidence Modeling of protein sequence and biophysical properties (such as structural, functional, and spatial information, amino acid conservation, physicochemical variation, residue mobility, and thermodynamic stability) indicates that this missense variant is not expected to disrupt TSC1 protein function with a negative predictive value of 95%. In summary, the available evidence is currently insufficient to determine the role of this variant in disease. Therefore, it has been classified as a Variant of Uncertain Significance.